The following is an entry in ClinVar:

NM_025219.3(DNAJC5):c.321+8C>T

Gene: DNAJC5 (DnaJ heat shock protein family (Hsp40) member C5; plus strand). Cytogenetic location: 20q13.33.
Variant type: single nucleotide variant.
Coding change: c.321+8C>T on transcript NM_025219.3 (MANE Select); 8 bases into the intron after coding-DNA position 321, C replaced by T.
Molecular consequence: intron variant.
Genome position (GRCh38, 1-based): chr20:63,929,533, C>T. VCF-style: chr20-63929533-C-T. GRCh37 (hg19) VCF-style: chr20-62560886-C-T.
Identifiers: ClinVar variation 405362 (VCV000405362.12), dbSNP rs773607766, ClinGen allele CA9969691.
Genomic context (GRCh38, chr20:63,929,533, plus strand): 5'-TTGGGGAAGAGAACGTGAACACCTACTTCGTGCTGTCCAGCTGGTGGGCCAAGGTGAGGG[C>T]GAGCTGCCTGCCGTGCGGGCACCCGAGTCACTCCTGCCGTGCGGGCACCCGAGTCTCTCC-3'

ClinVar aggregate classification (germline): Conflicting classifications of pathogenicity. Review status: criteria provided, conflicting classifications (1 of 4 stars). 2 submissions from 2 submitters: Uncertain significance (1); Likely benign (1). Last evaluated 2022-10-11.

Conditions:
Neuronal ceroid lipofuscinosis. Also called: Neuronal Ceroid Lipofuscinoses. Identifiers: Orphanet 216, Orphanet 79263, MedGen C0027877, MONDO:0016295. Disease mechanism: loss of function.

Allele frequency attached by ClinVar (database versions not stated): ExAC 0.00001; gnomAD 0.00001 and 0.00002; gnomAD exomes 0.00001 and 0.00004; TOPMed 0.00002.
gnomAD v4.1: 25 of 1,612,998 alleles (0.0015%); highest among the groups gnomAD compares: East Asian, 0.051%; no homozygotes.

Submissions (3):

Blueprint Genetics
Classification: Likely benign. Last evaluated: 2022-10-11. Review status: criteria provided, single submitter. Criteria: ACMG Guidelines, 2015. Collection method: clinical testing. Allele origin: germline.

Labcorp Genetics (formerly Invitae), Labcorp
Classification: Uncertain significance for Neuronal ceroid lipofuscinosis. Last evaluated: 2022-09-27. Review status: criteria provided, single submitter. Criteria: Invitae Variant Classification Sherloc (09022015). Collection method: clinical testing. Allele origin: germline.
Comment: This variant is present in population databases (rs773607766, gnomAD 0.01%). This sequence change falls in intron 3 of the DNAJC5 gene. It does not directly change the encoded amino acid sequence of the DNAJC5 protein. This variant has not been reported in the literature in individuals affected with DNAJC5-related conditions. ClinVar contains an entry for this variant (Variation ID: 405362). Algorithms developed to predict the effect of sequence changes on RNA splicing suggest that this variant may create or strengthen a splice site. In summary, the available evidence is currently insufficient to determine the role of this variant in disease. Therefore, it has been classified as a Variant of Uncertain Significance.

Dr. Peter K. Rogan Lab, Western University
No classification provided (evidence only). Condition: Lung cancer. Review status: no classification provided. Collection method: in vitro. Allele origin: not applicable. Functional consequence: retained intron. Not counted in ClinVar's aggregate classification.